The following is an entry in ClinVar:

ClinVar aggregate classification (germline): Uncertain significance (1 of 4 stars; one submission).

Conditions:
Autosomal dominant nocturnal frontal lobe epilepsy 5. Also called: KCNT1-Related Epilepsy; CILIARY DYSKINESIA, PRIMARY, 28, WITH SITUS INVERSUS; CILIARY DYSKINESIA, PRIMARY, 28, WITHOUT SITUS INVERSUS; Epilepsy, nocturnal frontal lobe, 5. Identifiers: Orphanet 98784, MedGen C3554306, MONDO:0014002, OMIM 615005.
Developmental and epileptic encephalopathy, 14 (DEE14). Also called: Early infantile epileptic encephalopathy 14. Identifiers: Orphanet 293181, MedGen C3554195, MONDO:0013989, OMIM 614959.

Submission:

Labcorp Genetics (formerly Invitae), Labcorp
Classification: Uncertain significance for Autosomal dominant nocturnal frontal lobe epilepsy 5; Developmental and epileptic encephalopathy, 14. Last evaluated: 2023-05-26. Review status: criteria provided, single submitter. Criteria: Invitae Variant Classification Sherloc (09022015). Collection method: clinical testing. Allele origin: germline.
Comment: In summary, the available evidence is currently insufficient to determine the role of this variant in disease. Therefore, it has been classified as a Variant of Uncertain Significance. Variants that disrupt the consensus splice site are a relatively common cause of aberrant splicing (PMID: 17576681, 9536098). Algorithms developed to predict the effect of sequence changes on RNA splicing suggest that this variant may disrupt the consensus splice site. This sequence change falls in intron 14 of the KCNT1 gene. It does not directly change the encoded amino acid sequence of the KCNT1 protein. It affects a nucleotide within the consensus splice site. The frequency data for this variant in the population databases is considered unreliable, as metrics indicate poor data quality at this position in the gnomAD database. This variant has not been reported in the literature in individuals affected with KCNT1-related conditions.

Literature cited by the submitters: PubMed 17576681; PubMed 9536098.

NM_020822.3(KCNT1):c.1401+6_1401+9del

Gene: KCNT1 (potassium sodium-activated channel subfamily T member 1; plus strand). Cytogenetic location: 9q34.3.
Variant type: Microsatellite.
Coding change: c.1401+6_1401+9del on transcript NM_020822.3 (MANE Select); bases 6 to 9 of the intron after coding-DNA position 1401, 4 bases deleted (TGAG; older notation c.1401+6_1401+9delTGAG).
Molecular consequence: splice donor variant.
Genome position (GRCh38, 1-based): chr9:135,768,679-135,768,682, TGAG deleted; deleting any 4 consecutive bases within chr9:135,768,673-135,768,682 gives the same sequence; the c. name uses the placement nearest the transcript's 3' end. VCF-style (leftmost placement, unchanged base first): chr9-135768672-CAGTG-C. GRCh37 (hg19) VCF-style: chr9-138660518-CAGTG-C.
Other names: c.1266+6_1266+9del (NM_001272003.2).
Identifiers: ClinVar variation 2923497 (VCV002923497.3), dbSNP rs1201903120, ClinGen allele CA591364773.